The following is an entry in ClinVar:

NM_015215.4(CAMTA1):c.3193G>A (p.Gly1065Arg)

Gene: CAMTA1 (calmodulin binding transcription activator 1; plus strand). Cytogenetic location: 1p36.23.
Variant type: single nucleotide variant.
Coding change: c.3193G>A on transcript NM_015215.4 (MANE Select); coding-DNA position 3193, G replaced by A.
Protein change: p.Gly1065Arg; replaces glycine 1065 with arginine.
Molecular consequence: missense variant.
Genome position (GRCh38, 1-based): chr1:7,736,470, G>A. VCF-style: chr1-7736470-G-A. GRCh37 (hg19) VCF-style: chr1-7796530-G-A.
Other names: c.3103G>A, p.Gly1035Arg (NM_001349608.2, NM_001349612.2); c.3193G>A, p.Gly1065Arg (NM_001349609.2, NM_001349610.2); c.322G>A, p.Gly108Arg (NM_001349613.1); c.265G>A, p.Gly89Arg (NM_001349614.1, NM_001349615.2, NM_001349616.2 and 10 more transcripts); short protein forms G1065R, G108R, G89R, G1035R.
Identifiers: ClinVar variation 424141 (VCV000424141.4), dbSNP rs1064796821, ClinGen allele CA16617190.

ClinVar aggregate classification (germline): Uncertain significance (1 of 4 stars; one submission).

Allele frequency attached by ClinVar (database versions not stated): gnomAD exomes below 0.00001; gnomAD 0.00003.
gnomAD v4.1: 3 of 1,614,092 alleles (0.00019%); highest among the groups gnomAD compares: Non-Finnish European, 0.00017%; no homozygotes.

Submission:

GeneDx
Classification: Uncertain significance. Last evaluated: 2022-10-26. Review status: criteria provided, single submitter. Criteria: GeneDx Variant Classification Process June 2021. Collection method: clinical testing. Allele origin: germline. Affected: yes.
Comment: In silico analysis supports that this missense variant has a deleterious effect on protein structure/function; Has not been previously published as pathogenic or benign to our knowledge